The following is an entry in ClinVar:

ClinVar aggregate classification (germline): Pathogenic/Likely pathogenic. Review status: criteria provided, multiple submitters, no conflicts (2 of 4 stars). 3 submissions from 3 submitters: Pathogenic (1); Likely pathogenic (2). Last evaluated 2025-12-05.

Conditions:
Polycystic kidney disease 4 (PKD4). Also called: POLYCYSTIC KIDNEY DISEASE 4 WITH OR WITHOUT POLYCYSTIC LIVER DISEASE; PKD3; Autosomal Recessive Polycystic Kidney Disease – PKHD1; POLYCYSTIC KIDNEY AND HEPATIC DISEASE 1; POLYCYSTIC KIDNEY DISEASE, INFANTILE, TYPE I. Identifiers: MedGen C4540575, MONDO:0033004, OMIM 263200.
Autosomal recessive polycystic kidney disease (ARPKD). Also called: AR polycystic kidney disease. Identifiers: Orphanet 731, Orphanet 8378, MedGen C0085548, MeSH D017044, MONDO:0009889.

Submissions (3):

Natera, Inc.
Classification: Pathogenic for Autosomal recessive polycystic kidney disease. Last evaluated: 2025-12-05. Review status: criteria provided, single submitter. Criteria: Natera Variant Classification Schema (03/2026). Collection method: clinical testing. Allele origin: germline.
Comment: The c.1693+2T>C variant in PKHD1 is a canonical splice donor site variant predicted to affect pre-mRNA splicing, which may result in an abnormal transcript and altered protein product. This variant is expected to result in nonsense mediated decay, truncation, or a dysfunctional protein product. This variant is rare in the general population with a frequency below the threshold expected for the associated phenotype(s). This variant has been observed in one or more individuals affected with the associated recessive disease, as either homozygous or compound heterozygous with a second variant (PMID: 40865752). Given the available evidence, this variant is classified as Pathogenic.

Labcorp Genetics (formerly Invitae), Labcorp
Classification: Likely pathogenic for Autosomal recessive polycystic kidney disease. Last evaluated: 2023-12-16. Review status: criteria provided, single submitter. Criteria: Invitae Variant Classification Sherloc (09022015). Collection method: clinical testing. Allele origin: germline.
Comment: This sequence change affects a donor splice site in intron 18 of the PKHD1 gene. It is expected to disrupt RNA splicing. Variants that disrupt the donor or acceptor splice site typically lead to a loss of protein function (PMID: 16199547), and loss-of-function variants in PKHD1 are known to be pathogenic (PMID: 19940839). This variant is not present in population databases (gnomAD no frequency). This variant has not been reported in the literature in individuals affected with PKHD1-related conditions. ClinVar contains an entry for this variant (Variation ID: 2129462). Algorithms developed to predict the effect of sequence changes on RNA splicing suggest that this variant may disrupt the consensus splice site. In summary, the currently available evidence indicates that the variant is pathogenic, but additional data are needed to prove that conclusively. Therefore, this variant has been classified as Likely Pathogenic.

Baylor Genetics
Classification: Likely pathogenic for Polycystic kidney disease 4. Last evaluated: 2023-04-28. Review status: criteria provided, single submitter. Criteria: ACMG Guidelines, 2015. Collection method: clinical testing. Allele origin: unknown.

Literature cited by the submitters: PubMed 40865752 (cited by Natera, Inc.); PubMed 16199547 (cited by Labcorp Genetics (formerly Invitae), Labcorp); PubMed 19940839 (cited by Labcorp Genetics (formerly Invitae), Labcorp).

NM_138694.4(PKHD1):c.1693+2T>C

Gene: PKHD1 (PKHD1 ciliary IPT domain containing fibrocystin/polyductin; minus strand). Cytogenetic location: 6p12.2.
Variant type: single nucleotide variant.
Coding change: c.1693+2T>C on transcript NM_138694.4 (MANE Select); the canonical splice donor site of the intron after coding-DNA position 1693, T replaced by C.
Molecular consequence: splice donor variant.
Genome position (GRCh38, 1-based): chr6:52,056,696, A>G on the plus strand (T>C on the coding strand, the complement: PKHD1 is on the minus strand). VCF-style: chr6-52056696-A-G. GRCh37 (hg19) VCF-style: chr6-51921494-A-G.
Other names: c.1693+2T>C (NM_170724.3, NM_138694.3).
Identifiers: ClinVar variation 2129462 (VCV002129462.6), dbSNP rs1581999471, ClinGen allele CA364424850.